The following is an entry in ClinVar:

ClinVar aggregate classification (germline): Uncertain significance. Review status: criteria provided, multiple submitters, no conflicts (2 of 4 stars). 2 submissions from 2 submitters: Uncertain significance (2). Last evaluated 2024-11-05.

Conditions:
Inborn genetic diseases. Identifiers: MedGen C0950123, MeSH D030342.
Achondrogenesis, type IA (ACG1A). Identifiers: Orphanet 932, Orphanet 93299, MedGen C0265273, MONDO:0008701, OMIM 200600.

Allele frequency attached by ClinVar (database versions not stated): TOPMed 0.00002; gnomAD exomes 0.00006; ExAC 0.00009; 1000 Genomes Project 30x 0.00016; 1000 Genomes Project 0.00020.
gnomAD v4.1: 25 of 1,614,130 alleles (0.0015%); highest among the groups gnomAD compares: East Asian, 0.049%; no homozygotes.

Submissions (3):

Labcorp Genetics (formerly Invitae), Labcorp
Classification: Uncertain significance for Achondrogenesis, type IA. Last evaluated: 2024-11-05. Review status: criteria provided, single submitter. Criteria: Invitae Variant Classification Sherloc (09022015). Collection method: clinical testing. Allele origin: germline.
Comment: This sequence change replaces valine, which is neutral and non-polar, with glycine, which is neutral and non-polar, at codon 1054 of the TRIP11 protein (p.Val1054Gly). This variant is present in population databases (rs552345466, gnomAD 0.07%). This variant has not been reported in the literature in individuals affected with TRIP11-related conditions. ClinVar contains an entry for this variant (Variation ID: 1037034). Invitae Evidence Modeling of protein sequence and biophysical properties (such as structural, functional, and spatial information, amino acid conservation, physicochemical variation, residue mobility, and thermodynamic stability) has been performed for this missense variant. However, the output from this modeling did not meet the statistical confidence thresholds required to predict the impact of this variant on TRIP11 protein function. In summary, the available evidence is currently insufficient to determine the role of this variant in disease. Therefore, it has been classified as a Variant of Uncertain Significance.

Ambry Genetics
Classification: Uncertain significance for Inborn genetic diseases. Last evaluated: 2023-12-27. Review status: criteria provided, single submitter. Criteria: Ambry Variant Classification Scheme 2023. Collection method: clinical testing. Allele origin: germline.

Dr. Peter K. Rogan Lab, Western University
No classification provided (evidence only). Condition: Gastric cancer. Review status: no classification provided. Collection method: in vitro. Allele origin: not applicable. Functional consequence: retained intron. Not counted in ClinVar's aggregate classification.

NM_004239.4(TRIP11):c.3161T>G (p.Val1054Gly)

Gene: TRIP11 (thyroid hormone receptor interactor 11; minus strand). Cytogenetic location: 14q32.12.
Variant type: single nucleotide variant.
Coding change: c.3161T>G on transcript NM_004239.4 (MANE Select); coding-DNA position 3161, T replaced by G.
Protein change: p.Val1054Gly; replaces valine 1054 with glycine.
Molecular consequence: missense variant.
Genome position (GRCh38, 1-based): chr14:92,004,815, A>C on the plus strand (T>G on the coding strand, the complement: TRIP11 is on the minus strand). VCF-style: chr14-92004815-A-C. GRCh37 (hg19) VCF-style: chr14-92471159-A-C.
Other names: c.3158T>G, p.Val1053Gly (NM_001321851.1); c.3161T>G (NM_004239.3); short protein forms V1053G, V1054G.
Identifiers: ClinVar variation 1037034 (VCV001037034.9), dbSNP rs552345466, ClinGen allele CA7313674.